The following is an entry in ClinVar:

ClinVar aggregate classification (germline): Benign. Review status: criteria provided, multiple submitters, no conflicts (2 of 4 stars). 5 submissions from 5 submitters: Benign (4). 1 of the submissions does not count toward it. Last evaluated 2026-02-02.

Conditions:
Hepatoencephalopathy due to combined oxidative phosphorylation defect type 1. Also called: HEPATOENCEPHALOPATHY, EARLY FATAL PROGRESSIVE. Identifiers: Orphanet 137681, MedGen C1836797, MONDO:0012191, OMIM 609060.

Allele frequency attached by ClinVar (database versions not stated): gnomAD exomes 0.00143 and 0.00351; ExAC 0.00433; gnomAD 0.00889 and 0.00899; TOPMed 0.00932; ESP Exome Variant Server 0.01023; 1000 Genomes Project 30x 0.01218; 1000 Genomes Project 0.01238.
gnomAD v4.1: 3,535 of 1,614,006 alleles (0.22%); highest among the groups gnomAD compares: African/African-American, 2.9%; 43 homozygotes.

Submissions (5):

Labcorp Genetics (formerly Invitae), Labcorp
Classification: Benign. Last evaluated: 2026-02-02. Review status: criteria provided, single submitter. Criteria: Invitae Variant Classification Sherloc (09022015). Collection method: clinical testing. Allele origin: germline.

Illumina Laboratory Services, Illumina
Classification: Benign for Hepatoencephalopathy due to combined oxidative phosphorylation defect type 1. Last evaluated: 2018-01-13. Review status: criteria provided, single submitter. Criteria: ICSL Variant Classification Criteria 13 December 2019. Collection method: clinical testing. Allele origin: germline.
Comment: This variant was observed in the ICSL laboratory as part of a predisposition screen in an ostensibly healthy population. It had not been previously curated by ICSL or reported in the Human Gene Mutation Database (HGMD: prior to June 1st, 2018), and was therefore a candidate for classification through an automated scoring system. Utilizing variant allele frequency, disease prevalence and penetrance estimates, and inheritance mode, an automated score was calculated to assess if this variant is too frequent to cause the disease. Based on the score and internal cut-off values, a variant classified as benign is not then subjected to further curation. The score for this variant resulted in a classification of benign for this disease.

GeneDx
Classification: Benign. Last evaluated: 2014-07-18. Review status: criteria provided, single submitter. Criteria: GeneDx Variant Classification (06012015). Collection method: clinical testing. Allele origin: germline. Affected: yes.
Comment: This variant is considered likely benign or benign based on one or more of the following criteria: it is a conservative change, it occurs at a poorly conserved position in the protein, it is predicted to be benign by multiple in silico algorithms, and/or has population frequency not consistent with disease.

Breakthrough Genomics
Classification: Benign. Review status: criteria provided, single submitter. Criteria: ACMG Guidelines, 2015. Collection method: not provided. Allele origin: germline. Inheritance: Autosomal recessive inheritance. Affected: yes.

Natera, Inc.
Classification: Benign for Combined oxidative phosphorylation deficiency 1. Last evaluated: 2020-09-16. Review status: no assertion criteria provided. Collection method: clinical testing. Allele origin: germline. Not counted in ClinVar's aggregate classification.

NM_024996.7(GFM1):c.1209C>T (p.Ala403=)

Gene: GFM1 (G elongation factor mitochondrial 1; plus strand). Cytogenetic location: 3q25.32.
Variant type: single nucleotide variant.
Coding change: c.1209C>T on transcript NM_024996.7 (MANE Select); coding-DNA position 1209, C replaced by T.
Protein change: p.Ala403=; no amino-acid change (alanine 403 retained).
Molecular consequence: synonymous variant. On other transcripts: non-coding transcript variant (4), intron variant (1).
Genome position (GRCh38, 1-based): chr3:158,659,047, C>T. VCF-style: chr3-158659047-C-T. GRCh37 (hg19) VCF-style: chr3-158376836-C-T.
Other names: p.A403A:GCC>GCT; c.1266C>T, p.Ala422= (NM_001308164.2); c.1209C>T, p.Ala403= (NM_001308166.2); c.1092C>T, p.Ala364= (NM_001374356.1); c.984C>T, p.Ala328= (NM_001374357.1); c.750C>T, p.Ala250= (NM_001374358.1); c.642C>T, p.Ala214= (NM_001374359.1, NM_001374360.1); c.525C>T, p.Ala175= (NM_001374361.1); and 1 more.
Identifiers: ClinVar variation 214477 (VCV000214477.16), dbSNP rs149949638, ClinGen allele CA321638.